The following is an entry in ClinVar:

ClinVar aggregate classification (germline): Uncertain significance (1 of 4 stars; one submission).

Conditions:
Mitochondrial myopathy-lactic acidosis-deafness syndrome. Identifiers: Orphanet 2597, MedGen C1855033, MONDO:0016825, OMIM 251950.

Allele frequency attached by ClinVar (database versions not stated): gnomAD exomes below 0.00001.

Submission:

Victorian Clinical Genetics Services, Murdoch Childrens Research Institute
Classification: Uncertain significance for Mitochondrial myopathy-lactic acidosis-deafness syndrome. Last evaluated: 2018-12-17. Review status: criteria provided, single submitter. Criteria: ACMG Guidelines, 2015. Collection method: clinical testing. Allele origin: inherited. Affected: yes. Observed: 3 variant alleles. Clinical features observed: Dystonia (HP:0001332), Microcephaly (HP:0000252), Bulbar signs (HP:0002483), Intellectual disability, severe (HP:0010864), Cerebellar atrophy (HP:0001272), Epilepsia partialis continua (HP:0012847), Caudate atrophy (HP:0002340), Abnormality of the globus pallidus (HP:0002453).
Comment: A homozygous missense variant, NM_015723.3(PNPLA8):c.2161G>A, has been identified in exon 12 of 12 of the PNPLA8 gene. The variant is predicted to result in a minor amino acid change from glutamic acid to lysine at position 721 of the protein (NP_056538.1(PNPLA8):p.(Glu721Lys)). The glutamic acid residue at this position has very high conservation (100 vertebrates, UCSC), but is not located within a well established functional domain. In silico predictions for this variant are consistently pathogenic (Polyphen, SIFT, CADD, Mutation Taster). The variant is absent in population databases (gnomAD, dbSNP, 1000G). This variant has not been previously reported in clinical cases. Based on the information available at the time of curation, this variant has been classified as a VARIANT of UNCERTAIN SIGNIFICANCE (VUS).

NM_001256007.3(PNPLA8):c.2161G>A (p.Glu721Lys)

Gene: PNPLA8 (patatin like domain 8, phospholipase A2; minus strand). Cytogenetic location: 7q31.1.
Variant type: single nucleotide variant.
Coding change: c.2161G>A on transcript NM_001256007.3 (MANE Select); coding-DNA position 2161, G replaced by A.
Protein change: p.Glu721Lys; replaces glutamic acid 721 with lysine.
Molecular consequence: missense variant.
Genome position (GRCh38, 1-based): chr7:108,472,589, C>T on the plus strand (G>A on the coding strand, the complement: PNPLA8 is on the minus strand). VCF-style: chr7-108472589-C-T. GRCh37 (hg19) VCF-style: chr7-108113033-C-T.
Other names: c.2161G>A, p.Glu721Lys (NM_001256008.3, NM_015723.5); c.1975G>A, p.Glu659Lys (NM_001256009.3); c.1861G>A, p.Glu621Lys (NM_001256010.3, NM_001256011.3); short protein forms E721K, E621K, E659K.
Identifiers: ClinVar variation 870407 (VCV000870407.2), dbSNP rs1859698620, ClinGen allele CA368890836.
Genomic context (GRCh38, chr7:108,472,589, plus strand): 5'-TTCTTTCTATGTATTTCAACCCTTCCAACTGCAGCTGATCCAGCTTTTCATTTCGACTTT[C>T]ATCTAGAGGTATGTTTTCACACATTACAGGATTGAATCTAAAATAGGTGTCAGGAGGTAA-3'
Protein context (NP_001242936.1, residues 711-731): PVMCENIPLD[Glu721Lys]SRNEKLDQLQ